The following is an entry in ClinVar:

NM_000482.4(APOA4):c.254C>T (p.Thr85Ile)

Gene: APOA4 (apolipoprotein A4; minus strand). Cytogenetic location: 11q23.3.
Variant type: single nucleotide variant.
Coding change: c.254C>T on transcript NM_000482.4 (MANE Select); coding-DNA position 254, C replaced by T.
Protein change: p.Thr85Ile; replaces threonine 85 with isoleucine.
Molecular consequence: missense variant.
Genome position (GRCh38, 1-based): chr11:116,821,804, G>A on the plus strand (C>T on the coding strand, the complement: APOA4 is on the minus strand). VCF-style: chr11-116821804-G-A. GRCh37 (hg19) VCF-style: chr11-116692520-G-A.
Other names: short protein forms T85I.
Identifiers: ClinVar variation 2387566 (VCV002387566.4), dbSNP rs569616428, ClinGen allele CA6289474.

ClinVar aggregate classification (germline): Uncertain significance. Review status: criteria provided, multiple submitters, no conflicts (2 of 4 stars). 2 submissions from 2 submitters: Uncertain significance (2). Last evaluated 2025-07-27.

Allele frequency attached by ClinVar (database versions not stated): ExAC 0.00001; gnomAD exomes 0.00001; TOPMed 0.00011; 1000 Genomes Project 30x 0.00016; gnomAD 0.00019; 1000 Genomes Project 0.00020.
gnomAD v4.1: 50 of 1,603,240 alleles (0.0031%); highest among the groups gnomAD compares: African/African-American, 0.06%; no homozygotes.

Submissions (2):

Labcorp Genetics (formerly Invitae), Labcorp
Classification: Uncertain significance. Last evaluated: 2025-07-27. Review status: criteria provided, single submitter. Criteria: Invitae Variant Classification Sherloc (09022015). Collection method: clinical testing. Allele origin: germline.
Comment: This sequence change replaces threonine, which is neutral and polar, with isoleucine, which is neutral and non-polar, at codon 85 of the APOA4 protein (p.Thr85Ile). This variant is present in population databases (rs569616428, gnomAD 0.05%). This missense change has been observed in individual(s) with dyslipidemia (PMID: 36325899). ClinVar contains an entry for this variant (Variation ID: 2387566). Invitae Evidence Modeling of protein sequence and biophysical properties (such as structural, functional, and spatial information, amino acid conservation, physicochemical variation, residue mobility, and thermodynamic stability) indicates that this missense variant is not expected to disrupt APOA4 protein function with a negative predictive value of 80%. In summary, the available evidence is currently insufficient to determine the role of this variant in disease. Therefore, it has been classified as a Variant of Uncertain Significance.

Ambry Genetics
Classification: Uncertain significance. Last evaluated: 2025-01-18. Review status: criteria provided, single submitter. Criteria: Ambry Variant Classification Scheme 2023. Collection method: clinical testing. Allele origin: germline.

Literature cited by the submitters: PubMed 36325899 (cited by Labcorp Genetics (formerly Invitae), Labcorp).